The following is an entry in ClinVar:

NM_153704.6(TMEM67):c.239G>A (p.Cys80Tyr)

Gene: TMEM67 (transmembrane protein 67; plus strand). Cytogenetic location: 8q22.1.
Variant type: single nucleotide variant.
Coding change: c.239G>A on transcript NM_153704.6 (MANE Select); coding-DNA position 239, G replaced by A.
Protein change: p.Cys80Tyr; replaces cysteine 80 with tyrosine.
Molecular consequence: missense variant. On other transcripts: non-coding transcript variant (1), intron variant (1).
Genome position (GRCh38, 1-based): chr8:93,755,793, G>A. VCF-style: chr8-93755793-G-A. GRCh37 (hg19) VCF-style: chr8-94768021-G-A.
Other names: c.-62+656G>A (NM_001142301.1); short protein forms C80Y.
Identifiers: ClinVar variation 1479106 (VCV001479106.8), dbSNP rs1812545095, ClinGen allele CA371685552.

ClinVar aggregate classification (germline): Uncertain significance (1 of 4 stars; one submission).

Conditions:
Meckel-Gruber syndrome. Also called: DYSENCEPHALIA SPLANCHNOCYSTICA; GRUBER SYNDROME; Dysencephalia splachnocystica. Identifiers: Orphanet 564, MedGen C0265215, MONDO:0018921.
Joubert syndrome. Also called: CEREBELLOPARENCHYMAL DISORDER IV; JOUBERT-BOLTSHAUSER SYNDROME; Familial aplasia of the vermis. Identifiers: Orphanet 475, MedGen C5979921, MONDO:0018772.

Allele frequency attached by ClinVar (database versions not stated): gnomAD 0.00001.

Submission:

Labcorp Genetics (formerly Invitae), Labcorp
Classification: Uncertain significance for Joubert syndrome; Meckel-Gruber syndrome. Last evaluated: 2021-06-23. Review status: criteria provided, single submitter. Criteria: Invitae Variant Classification Sherloc (09022015). Collection method: clinical testing. Allele origin: germline.
Comment: In summary, the available evidence is currently insufficient to determine the role of this variant in disease. Therefore, it has been classified as a Variant of Uncertain Significance. Advanced modeling of protein sequence and biophysical properties (such as structural, functional, and spatial information, amino acid conservation, physicochemical variation, residue mobility, and thermodynamic stability) performed at Invitae indicates that this missense variant is expected to disrupt TMEM67 protein function. This variant has not been reported in the literature in individuals affected with TMEM67-related conditions. This variant is not present in population databases (ExAC no frequency). This sequence change replaces cysteine with tyrosine at codon 80 of the TMEM67 protein (p.Cys80Tyr). The cysteine residue is highly conserved and there is a large physicochemical difference between cysteine and tyrosine.